The following is an entry in ClinVar:

NM_145117.5(NAV2):c.5007A>G (p.Glu1669=)

Gene: NAV2 (neuron navigator 2; plus strand). Cytogenetic location: 11p15.1.
Variant type: single nucleotide variant.
Coding change: c.5007A>G on transcript NM_145117.5 (MANE Select); coding-DNA position 5007, A replaced by G.
Protein change: p.Glu1669=; no amino-acid change (glutamic acid 1669 retained).
Molecular consequence: synonymous variant.
Genome position (GRCh38, 1-based): chr11:20,077,575, A>G. VCF-style: chr11-20077575-A-G. GRCh37 (hg19) VCF-style: chr11-20099121-A-G.
Other names: c.4815A>G, p.Glu1605= (NM_001111018.2); c.2199A>G, p.Glu733= (NM_001111019.3); c.5175A>G, p.Glu1725= (NM_001244963.2); c.5007A>G, p.Glu1669= (NM_182964.6).
Identifiers: ClinVar variation 3049690 (VCV003049690.2), dbSNP rs79792934, ClinGen allele CA5918939.

ClinVar aggregate classification (germline): Benign (0 of 4 stars; one submission).

Conditions:
NAV2-related disorder. Also called: NAV2-related condition.

Allele frequency attached by ClinVar (database versions not stated): gnomAD exomes 0.00062; ExAC 0.00128; 1000 Genomes Project 30x 0.00375; 1000 Genomes Project 0.00379; gnomAD 0.00392; TOPMed 0.00483; ESP Exome Variant Server 0.00484.
gnomAD v4.1: 1,534 of 1,614,066 alleles (0.095%); highest among the groups gnomAD compares: African/African-American, 1.3%; 11 homozygotes.

Submission:

PreventionGenetics, part of Exact Sciences
Classification: Benign for NAV2-related condition. Last evaluated: 2019-11-05. Review status: no assertion criteria provided. Collection method: clinical testing. Allele origin: germline.
Comment: This variant is classified as benign based on ACMG/AMP sequence variant interpretation guidelines (Richards et al. 2015 PMID: 25741868, with internal and published modifications).